The following is an entry in ClinVar:

ClinVar aggregate classification (germline): Uncertain significance (1 of 4 stars; one submission).

Conditions:
MELAS syndrome (MELAS). Also called: Juvenile myopathy, encephalopathy, lactic acidosis, stroke. Identifiers: Orphanet 550, MedGen C0162671, MONDO:0010789, OMIM 540000.

Submission:

Wong Mito Lab, Molecular and Human Genetics, Baylor College of Medicine
Classification: Uncertain significance for MELAS syndrome. Last evaluated: 2019-07-12. Review status: criteria provided, single submitter. Criteria: Modified ACMG Guidelines (Unpublished). Collection method: clinical testing. Allele origin: germline.
Comment: The NC_012920.1:m.1619_1620insT variant in MT-TV gene is interpreted to be a Unknown Significance variant based on the modified ACMG guidelines (unpublished). This variant meets the following evidence codes reported in the guidelines: BP6, PP7

Literature cited by the submitters: PubMed 31965079.

NC_012920.1(MT-TV):m.1619_1620insT

Gene: MT-TV (mitochondrially encoded tRNA valine; plus strand).
Variant type: Insertion.
Genome position: chrM-1619-C-CT.
Identifiers: ClinVar variation 689837 (VCV000689837.1), dbSNP rs1603218585, ClinGen allele CA915952194.
Genomic context (GRCh38, chrMT:1,619, plus strand): 5'-GTCGTAACATGGTAAGTGTACTGGAAAGTGCACTTGGACGAACCAGAGTGTAGCTTAACA[C>CT]AAAGCACCCAACTTACACTTAGGAGATTTCAACTTAACTTGACCGCTCTGAGCTAAACCT-3'